The following is an entry in ClinVar:

NM_000138.5(FBN1):c.15T>C (p.Arg5=)

Gene: FBN1 (fibrillin 1; minus strand). Cytogenetic location: 15q21.1.
Variant type: single nucleotide variant.
Coding change: c.15T>C on transcript NM_000138.5 (MANE Select); coding-DNA position 15, T replaced by C.
Protein change: p.Arg5=; no amino-acid change (arginine 5 retained).
Molecular consequence: synonymous variant.
Genome position (GRCh38, 1-based): chr15:48,644,755, A>G on the plus strand (T>C on the coding strand, the complement: FBN1 is on the minus strand). VCF-style: chr15-48644755-A-G. GRCh37 (hg19) VCF-style: chr15-48936952-A-G.
Other names: c.15T>C (NM_000138.4).
Identifiers: ClinVar variation 1532218 (VCV001532218.11), dbSNP rs1371787168, ClinGen allele CA490090874.

ClinVar aggregate classification (germline): Likely benign. Review status: criteria provided, multiple submitters, no conflicts (2 of 4 stars). 3 submissions from 3 submitters: Likely benign (3). Last evaluated 2025-10-08.

Conditions:
Marfan syndrome (MFS). Also called: MARFAN SYNDROME, TYPE I; Marfan syndrome type 1; Marfan's syndrome; Marfan syndrome, classic; FBN1-Related Marfan Syndrome. Identifiers: Orphanet 284963, Orphanet 558, MedGen C0024796, MONDO:0007947, OMIM 154700.
Familial thoracic aortic aneurysm and aortic dissection (TAAD). Also called: Thoracic aortic aneurysms and dissections. Identifiers: Orphanet 91387, MedGen C4707243, MONDO:0019625.

Allele frequency attached by ClinVar (database versions not stated): gnomAD exomes 0.00001 and below 0.00001; TOPMed 0.00001.
gnomAD v4.1: 2 of 1,611,176 alleles (0.00012%); highest among the groups gnomAD compares: African/African-American, 0.0027%; no homozygotes.

Submissions (3):

Labcorp Genetics (formerly Invitae), Labcorp
Classification: Likely benign for Marfan syndrome; Familial thoracic aortic aneurysm and aortic dissection. Last evaluated: 2025-10-08. Review status: criteria provided, single submitter. Criteria: Invitae Variant Classification Sherloc (09022015). Collection method: clinical testing. Allele origin: germline.

All of Us Research Program, National Institutes of Health
Classification: Likely benign for Marfan syndrome. Last evaluated: 2024-07-20. Review status: criteria provided, single submitter. Criteria: ACMG Guidelines, 2015. Collection method: clinical testing. Allele origin: germline. Inheritance: Autosomal dominant inheritance. Observed: 2 variant alleles, 2 heterozygotes.
Comment: This study involves interpretation of variants in research participants for the purpose of population health screening. Participant phenotype was not available at the time of variant classification. Additional details can be found in publication PMID: 35346344, PMCID: PMC8962531

Ambry Genetics
Classification: Likely benign for Familial thoracic aortic aneurysm and aortic dissection. Last evaluated: 2023-06-03. Review status: criteria provided, single submitter. Criteria: Ambry Variant Classification Scheme 2023. Collection method: clinical testing. Allele origin: germline.